The following is an entry in ClinVar:

NM_001031710.3(KLHL7):c.1107G>A (p.Pro369=)

Gene: KLHL7 (kelch like family member 7; plus strand). Cytogenetic location: 7p15.3.
Variant type: single nucleotide variant.
Coding change: c.1107G>A on transcript NM_001031710.3 (MANE Select); coding-DNA position 1107, G replaced by A.
Protein change: p.Pro369=; no amino-acid change (proline 369 retained).
Molecular consequence: synonymous variant. On other transcripts: non-coding transcript variant (1).
Genome position (GRCh38, 1-based): chr7:23,165,868, G>A. VCF-style: chr7-23165868-G-A. GRCh37 (hg19) VCF-style: chr7-23205487-G-A.
Other names: c.963G>A, p.Pro321= (NM_018846.5).
Identifiers: ClinVar variation 1701519 (VCV001701519.34), dbSNP rs150952945, ClinGen allele CA4186545.
Genomic context (GRCh38, chr7:23,165,868, plus strand): 5'-AAAGCGAATGGACTGCTATAATGTAGTGAAGGATAGCTGGTATTCGAAACTGGGTCCTCC[G>A]ACACCTCGAGACAGCCTTGCTGCATGTGCTGCAGAAGGCAAAATTTATACATCTGGAGGT-3'
Protein context (NP_001026880.2, residues 359-379): KDSWYSKLGP[Pro369=]TPRDSLAACA

ClinVar aggregate classification (germline): Likely benign. Review status: criteria provided, multiple submitters, no conflicts (2 of 4 stars). 2 submissions from 2 submitters: Likely benign (2). Last evaluated 2024-04-22.

Allele frequency attached by ClinVar (database versions not stated): ExAC 0.00001; TOPMed 0.00001; gnomAD exomes 0.00002; ESP Exome Variant Server 0.00008.
gnomAD v4.1: 10 of 1,614,112 alleles (0.00062%); highest among the groups gnomAD compares: Admixed American, 0.0017%; no homozygotes.

Submissions (2):

Labcorp Genetics (formerly Invitae), Labcorp
Classification: Likely benign. Last evaluated: 2024-04-22. Review status: criteria provided, single submitter. Criteria: Invitae Variant Classification Sherloc (09022015). Collection method: clinical testing. Allele origin: germline.

CeGaT Center for Human Genetics Tuebingen
Classification: Likely benign. Last evaluated: 2022-07-01. Review status: criteria provided, single submitter. Criteria: CeGaT Center For Human Genetics Tuebingen Variant Classification Criteria Version 2. Collection method: clinical testing. Allele origin: germline. Affected: yes. Observed: 1 variant allele.
Comment: KLHL7: BP4, BP7